The following is an entry in ClinVar:

ClinVar aggregate classification (germline): Uncertain significance (1 of 4 stars; one submission).

Conditions:
Left-right axis malformations. Identifiers: MedGen C1866091.

Submission:

Labcorp Genetics (formerly Invitae), Labcorp
Classification: Uncertain significance for Left-right axis malformations. Last evaluated: 2023-09-24. Review status: criteria provided, single submitter. Criteria: Invitae Variant Classification Sherloc (09022015). Collection method: clinical testing. Allele origin: germline.
Comment: This variant is not present in population databases (gnomAD no frequency). This sequence change replaces glutamic acid, which is acidic and polar, with lysine, which is basic and polar, at codon 25 of the LEFTY2 protein (p.Glu25Lys). This variant has not been reported in the literature in individuals affected with LEFTY2-related conditions. In summary, the available evidence is currently insufficient to determine the role of this variant in disease. Therefore, it has been classified as a Variant of Uncertain Significance. Algorithms developed to predict the effect of missense changes on protein structure and function output the following: SIFT: "Not Available"; PolyPhen-2: "Benign"; Align-GVGD: "Not Available". The lysine amino acid residue is found in multiple mammalian species, which suggests that this missense change does not adversely affect protein function.

NM_003240.5(LEFTY2):c.73G>A (p.Glu25Lys)

Gene: LEFTY2 (left-right determination factor 2; minus strand). Cytogenetic location: 1q42.12.
Variant type: single nucleotide variant.
Coding change: c.73G>A on transcript NM_003240.5 (MANE Select); coding-DNA position 73, G replaced by A.
Protein change: p.Glu25Lys; replaces glutamic acid 25 with lysine.
Molecular consequence: missense variant.
Genome position (GRCh38, 1-based): chr1:225,941,068, C>T on the plus strand (G>A on the coding strand, the complement: LEFTY2 is on the minus strand). VCF-style: chr1-225941068-C-T. GRCh37 (hg19) VCF-style: chr1-226128768-C-T.
Other names: c.73G>A, p.Glu25Lys (NM_001172425.3); short protein forms E25K.
Identifiers: ClinVar variation 3018675 (VCV003018675.3), dbSNP rs1672316880, ClinGen allele CA345019487.
Genomic context (GRCh38, chr1:225,941,068, plus strand): 5'-TGTCCAGTACGGGCACCTCGCTGAGCTGCAGCTGCCGCAGCAGGCTGCCCAGGAGCTGCT[C>T]CTCGGTCAGGGCCGCCCCGGGGCCAGCCAGGGGCAGCACCCAGAGTGCCCAGCAGAGCCA-3'
Protein context (NP_003231.2, residues 15-35): LAGPGAALTE[Glu25Lys]QLLGSLLRQL